The following is an entry in ClinVar:

ClinVar aggregate classification (germline): Conflicting classifications of pathogenicity. Review status: criteria provided, conflicting classifications (1 of 4 stars). 10 submissions from 10 submitters: Uncertain significance (8); Likely benign (2). Last evaluated 2025-12-29.

Conditions:
Breast-ovarian cancer, familial, susceptibility to, 4. Identifiers: Orphanet 145, MedGen C3280345, MONDO:0013669, OMIM 614291.
Hereditary cancer-predisposing syndrome. Also called: Neoplastic Syndromes, Hereditary; Tumor predisposition; Hereditary Cancer Syndrome; Hereditary neoplastic syndrome. Identifiers: Orphanet 140162, MedGen C0027672, MeSH D009386, MONDO:0015356.
Hereditary breast ovarian cancer syndrome. Also called: Hereditary breast and ovarian cancer; Hereditary breast and/or ovarian cancer syndrome; BRCA1- and BRCA2-Associated Hereditary Breast and Ovarian Cancer; Hereditary breast and ovarian cancer syndrome (HBOC); Hereditary breast and ovarian cancer syndrome; Breast and ovarian cancer. Identifiers: Orphanet 145, MedGen C0677776, MeSH D061325, MONDO:0003582. Disease mechanism: loss of function.

Allele frequency attached by ClinVar (database versions not stated): gnomAD 0.00002 and 0.00003; gnomAD exomes 0.00002 and 0.00003; TOPMed 0.00002; ExAC 0.00005; 1000 Genomes Project 30x 0.00016; 1000 Genomes Project 0.00020.
gnomAD v4.1: 27 of 1,614,154 alleles (0.0017%); highest among the groups gnomAD compares: Middle Eastern, 0.016%; no homozygotes.

Submissions (10):

Center for Genomic Medicine, Rigshospitalet, Copenhagen University Hospital
Classification: Uncertain significance. Last evaluated: 2025-12-29. Review status: criteria provided, single submitter. Criteria: ACMG Guidelines, 2015. Collection method: clinical testing. Allele origin: germline.

Labcorp Genetics (formerly Invitae), Labcorp
Classification: Uncertain significance for Breast-ovarian cancer, familial, susceptibility to, 4. Last evaluated: 2025-10-02. Review status: criteria provided, single submitter. Criteria: Invitae Variant Classification Sherloc (09022015). Collection method: clinical testing. Allele origin: germline.
Comment: This sequence change replaces arginine, which is basic and polar, with tryptophan, which is neutral and slightly polar, at codon 290 of the RAD51D protein (p.Arg290Trp). This variant is present in population databases (rs527964137, gnomAD 0.01%). This variant has not been reported in the literature in individuals affected with RAD51D-related conditions. ClinVar contains an entry for this variant (Variation ID: 187277). Invitae Evidence Modeling of protein sequence and biophysical properties (such as structural, functional, and spatial information, amino acid conservation, physicochemical variation, residue mobility, and thermodynamic stability) indicates that this missense variant is not expected to disrupt RAD51D protein function with a negative predictive value of 80%. In summary, the available evidence is currently insufficient to determine the role of this variant in disease. Therefore, it has been classified as a Variant of Uncertain Significance.

Ambry Genetics
Classification: Likely benign for Hereditary cancer-predisposing syndrome. Last evaluated: 2025-07-10. Review status: criteria provided, single submitter. Criteria: Ambry Variant Classification Scheme 2023. Collection method: clinical testing. Allele origin: germline.

GeneDx
Classification: Uncertain significance. Last evaluated: 2024-12-30. Review status: criteria provided, single submitter. Criteria: GeneDx Variant Classification Process June 2021. Collection method: clinical testing. Allele origin: germline. Affected: yes.
Comment: In silico analysis indicates that this missense variant does not alter protein structure/function; Identified in an individual with breast cancer (PMID: 25186627); This variant is associated with the following publications: (PMID: 33471991, 25186627, 21111057, 14704354, 19327148)

Color Diagnostics, LLC DBA Color Health
Classification: Uncertain significance for Hereditary cancer-predisposing syndrome. Last evaluated: 2024-12-24. Review status: criteria provided, single submitter. Criteria: ACMG Guidelines, 2015. Collection method: clinical testing. Allele origin: germline.
Comment: This missense variant replaces arginine with tryptophan at codon 290 of the RAD51D protein. Computational prediction suggests that this variant may not impact protein structure and function. To our knowledge, functional studies have not been reported for this variant. This variant has not been reported in individuals affected with RAD51D-related disorders in the literature. This variant has been identified in 9/282800 chromosomes in the general population by the Genome Aggregation Database (gnomAD). The available evidence is insufficient to determine the role of this variant in disease conclusively. Therefore, this variant is classified as a Variant of Uncertain Significance.

Quest Diagnostics Nichols Institute San Juan Capistrano
Classification: Uncertain significance. Last evaluated: 2024-10-09. Review status: criteria provided, single submitter. Criteria: Quest Diagnostics criteria. Collection method: clinical testing. Allele origin: unknown.
Comment: The RAD51D c.868C>T (p.Arg290Trp) variant has been reported in the published literature in an individual with breast cancer (PMID: 25186627 (2015)). This variant has also been observed in a reportedly healthy individual (PMID: 33471991 (2021), see also LOVD). The frequency of this variant in the general population, 0.00012 (3/24958 chromosomes (Genome Aggregation Database)), is uninformative in the assessment of its pathogenicity. Analysis of this variant using bioinformatics tools for the prediction of the effect of amino acid changes on protein structure and function yielded predictions that this variant is benign. Based on the available information, we are unable to determine the clinical significance of this variant.

German Consortium for Hereditary Breast and Ovarian Cancer, University Hospital Cologne
Classification: Likely benign for Hereditary breast ovarian cancer syndrome. Last evaluated: 2024-08-13. Review status: criteria provided, single submitter. Criteria: ACMG Guidelines, 2015. Collection method: curation. Allele origin: germline.
Comment: According to the ACMG SVI adaptation criteria we chose these criteria: BP4 (supporting benign): REVEL benign strong 0.083, BayesDel noAF benign moderate -0.4677 SpliceAI: 0.01, BS1 (supporting benign): laut Canvig: BS1 ab 0.0000583 (0.00583%), gnomAD V2, cancer free females; wir haben total: 7/107672 => 0,0065%; Latinos: 3/20086 => 0,015%; Africans: 2/9224 => 0,022%; (p.Arg290Trp)#ControlF

Fulgent Genetics
Classification: Uncertain significance for Breast-ovarian cancer, familial, susceptibility to, 4. Last evaluated: 2024-05-06. Review status: criteria provided, single submitter. Criteria: ACMG Guidelines, 2015. Collection method: clinical testing. Allele origin: germline.

Baylor Genetics
Classification: Uncertain significance for Breast-ovarian cancer, familial, susceptibility to, 4. Last evaluated: 2023-11-30. Review status: criteria provided, single submitter. Criteria: ACMG Guidelines, 2015. Collection method: clinical testing. Allele origin: unknown.

Women's Health and Genetics/Laboratory Corporation of America, LabCorp
Classification: Uncertain significance. Last evaluated: 2015-12-07. Review status: criteria provided, single submitter. Criteria: LabCorp Variant Classification Summary - May 2015. Collection method: clinical testing. Allele origin: germline.
Comment: Variant summary: variant affects a non-conserved nucleotide and results in a replacement of a large size and basic Arginine (R) with a large size and aromatic Tryptophan (W). 3/4 in silico tools predict neutral outcome for this substitution (SNPs&GO was not considered because of the low reliability index). Variant was found in the large and broad cohorts of the ExAC project at an allele frequency of 0.0049% which does not exceed the maximal expected allele frequency of a disease causing RAD51D allele (0.025%). To our knowledge, the variant was not reported in HBOC spectrum patients and in vitro/vivo studies assessing the functional impact of the variant were not published either at the time of scoring. Due to lack of clinical data and functional studies, the variant was classified as a variant of uncertain significance until more information becomes available.

Literature cited by the submitters: PubMed 33471991 (cited by Quest Diagnostics Nichols Institute San Juan Capistrano); PubMed 25186627 (cited by Quest Diagnostics Nichols Institute San Juan Capistrano).

NM_002878.4(RAD51D):c.868C>T (p.Arg290Trp)

Genes: RAD51D (RAD51 paralog D; minus strand), RAD51L3-RFFL (RAD51L3-RFFL readthrough; minus strand). Cytogenetic location: 17q12.
Variant type: single nucleotide variant.
Coding change: c.868C>T on transcript NM_002878.4 (MANE Select); coding-DNA position 868, C replaced by T.
Protein change: p.Arg290Trp; replaces arginine 290 with tryptophan.
Molecular consequence: missense variant. On other transcripts: non-coding transcript variant (3).
Genome position (GRCh38, 1-based): chr17:35,101,236, G>A on the plus strand (C>T on the coding strand, the complement: RAD51D is on the minus strand). VCF-style: chr17-35101236-G-A. GRCh37 (hg19) VCF-style: chr17-33428255-G-A.
Other names: c.928C>T, p.Arg310Trp (NM_001142571.2); c.532C>T, p.Arg178Trp (NM_133629.3); short protein forms R290W, R178W, R310W.
Identifiers: ClinVar variation 187277 (VCV000187277.31), dbSNP rs527964137, ClinGen allele CA197219.